The following is an entry in ClinVar:

ClinVar aggregate classification (germline): Uncertain significance (1 of 4 stars; one submission).

Conditions:
Hereditary cancer-predisposing syndrome. Also called: Neoplastic Syndromes, Hereditary; Tumor predisposition; Hereditary Cancer Syndrome; Hereditary neoplastic syndrome. Identifiers: Orphanet 140162, MedGen C0027672, MeSH D009386, MONDO:0015356.

Submission:

Ambry Genetics
Classification: Uncertain significance for Hereditary cancer-predisposing syndrome. Last evaluated: 2025-01-06. Review status: criteria provided, single submitter. Criteria: Ambry Variant Classification Scheme 2023. Collection method: clinical testing. Allele origin: germline.
Comment: The p.V272A variant (also known as c.815T>C), located in coding exon 5 of the PDGFRA gene, results from a T to C substitution at nucleotide position 815. The valine at codon 272 is replaced by alanine, an amino acid with similar properties. This amino acid position is conserved. In addition, this alteration is predicted to be tolerated by in silico analysis. Since supporting evidence is limited at this time, the clinical significance of this alteration remains unclear.

NM_006206.6(PDGFRA):c.815T>C (p.Val272Ala)

Gene: PDGFRA (platelet derived growth factor receptor alpha; plus strand). Cytogenetic location: 4q12.
Variant type: single nucleotide variant.
Coding change: c.815T>C on transcript NM_006206.6 (MANE Select); coding-DNA position 815, T replaced by C.
Protein change: p.Val272Ala; replaces valine 272 with alanine.
Molecular consequence: missense variant.
Genome position (GRCh38, 1-based): chr4:54,267,344, T>C. VCF-style: chr4-54267344-T-C. GRCh37 (hg19) VCF-style: chr4-55133511-T-C.
Other names: c.815T>C, p.Val272Ala (NM_001347827.2, NM_001347829.2); c.890T>C, p.Val297Ala (NM_001347828.2); c.854T>C, p.Val285Ala (NM_001347830.2); short protein forms V285A, V297A, V272A.
Identifiers: ClinVar variation 1762223 (VCV001762223.3), dbSNP rs2475453255, ClinGen allele CA356891169.
Genomic context (GRCh38, chr4:54,267,344, plus strand): 5'-TGTAGAAAGGCAAAGGCATCACAATGCTGGAAGAAATCAAAGTCCCATCCATCAAATTGG[T>C]GTACACTTTGACGGTCCCCGAGGCCACGGTGAAAGACAGTGGAGATTACGAATGTGCTGC-3'
Protein context (NP_006197.1, residues 262-282): EEIKVPSIKL[Val272Ala]YTLTVPEATV